The following is an entry in ClinVar:

NM_001012301.4(ARSI):c.1240G>A (p.Ala414Thr)

Gene: ARSI (arylsulfatase family member I; minus strand). Cytogenetic location: 5q32.
Variant type: single nucleotide variant.
Coding change: c.1240G>A on transcript NM_001012301.4 (MANE Select); coding-DNA position 1240, G replaced by A.
Protein change: p.Ala414Thr; replaces alanine 414 with threonine.
Molecular consequence: missense variant.
Genome position (GRCh38, 1-based): chr5:150,297,684, C>T on the plus strand (G>A on the coding strand, the complement: ARSI is on the minus strand). VCF-style: chr5-150297684-C-T. GRCh37 (hg19) VCF-style: chr5-149677247-C-T.
Other names: c.1240G>A (NM_001012301.2); short protein forms A414T.
Identifiers: ClinVar variation 2050262 (VCV002050262.5), dbSNP rs745663592, ClinGen allele CA3510136.

ClinVar aggregate classification (germline): Uncertain significance. Review status: criteria provided, multiple submitters, no conflicts (2 of 4 stars). 2 submissions from 2 submitters: Uncertain significance (2). Last evaluated 2025-08-11.

Conditions:
Spastic paraplegia. Identifiers: MedGen C0037772, HP:0001258.

gnomAD v4.1: 33 of 1,613,322 alleles (0.002%); highest among the groups gnomAD compares: Admixed American, 0.005%; no homozygotes.

Submissions (2):

Labcorp Genetics (formerly Invitae), Labcorp
Classification: Uncertain significance for Spastic paraplegia. Last evaluated: 2025-08-11. Review status: criteria provided, single submitter. Criteria: Invitae Variant Classification Sherloc (09022015). Collection method: clinical testing. Allele origin: germline.
Comment: This sequence change replaces alanine, which is neutral and non-polar, with threonine, which is neutral and polar, at codon 414 of the ARSI protein (p.Ala414Thr). This variant is present in population databases (rs745663592, gnomAD 0.008%). This variant has not been reported in the literature in individuals affected with ARSI-related conditions. ClinVar contains an entry for this variant (Variation ID: 2050262). Invitae Evidence Modeling of protein sequence and biophysical properties (such as structural, functional, and spatial information, amino acid conservation, physicochemical variation, residue mobility, and thermodynamic stability) indicates that this missense variant is not expected to disrupt ARSI protein function with a negative predictive value of 80%. In summary, the available evidence is currently insufficient to determine the role of this variant in disease. Therefore, it has been classified as a Variant of Uncertain Significance.

Ambry Genetics
Classification: Uncertain significance. Last evaluated: 2024-11-26. Review status: criteria provided, single submitter. Criteria: Ambry Variant Classification Scheme 2023. Collection method: clinical testing. Allele origin: germline.